The following is an entry in ClinVar:

ClinVar aggregate classification (germline): Pathogenic (1 of 4 stars; one submission).

Conditions:
Surfactant metabolism dysfunction, pulmonary, 4 (SMDP4). Also called: PAP DUE TO CSF2RA DEFICIENCY; PULMONARY ALVEOLAR PROTEINOSIS, CONGENITAL, 4; CSF2RA DEFICIENCY. Identifiers: Orphanet 264675, MedGen C2677877, MONDO:0010424, OMIM 300770.

Allele frequency attached by ClinVar (database versions not stated): gnomAD exomes below 0.00001.

Submission:

Labcorp Genetics (formerly Invitae), Labcorp
Classification: Pathogenic for Surfactant metabolism dysfunction, pulmonary, 4. Last evaluated: 2022-11-08. Review status: criteria provided, single submitter. Criteria: Invitae Variant Classification Sherloc (09022015). Collection method: clinical testing. Allele origin: germline.
Comment: For these reasons, this variant has been classified as Pathogenic. ClinVar contains an entry for this variant (Variation ID: 1433550). This variant has not been reported in the literature in individuals affected with CSF2RA-related conditions. This variant is not present in population databases (gnomAD no frequency). This sequence change creates a premature translational stop signal (p.Trp306*) in the CSF2RA gene. It is expected to result in an absent or disrupted protein product. Loss-of-function variants in CSF2RA are known to be pathogenic (PMID: 20622029, 25425184).

Literature cited by the submitters: PubMed 20622029; PubMed 25425184.

NM_172245.4(CSF2RA):c.917G>A (p.Trp306Ter)

Gene: CSF2RA (colony stimulating factor 2 receptor subunit alpha; plus strand). Cytogenetic location: Xp22.33.
Variant type: single nucleotide variant.
Coding change: c.917G>A on transcript NM_172245.4 (MANE Select); coding-DNA position 917, G replaced by A.
Protein change: p.Trp306Ter; replaces tryptophan 306 with a stop codon.
Molecular consequence: nonsense. On other transcripts: intron variant (2).
Genome position (GRCh38, 1-based): chrX:1,300,597, G>A. VCF-style: chrX-1300597-G-A. GRCh37 (hg19) VCF-style: chrX-1419490-G-A.
Other names: c.917G>A, p.Trp306Ter (NM_001161529.2, NM_001161530.2, NM_001161531.2 and 17 more transcripts); c.518G>A, p.Trp173Ter (NM_001161532.2); c.887G>A, p.Trp296Ter (NM_001379160.1); c.647-4849G>A (NM_172249.4); c.854+1532G>A (NM_001379166.1); short protein forms W173*, W296*, W306*.
Identifiers: ClinVar variation 1433550 (VCV001433550.6), dbSNP rs2092302661, ClinGen allele CA412236468.